The following is an entry in ClinVar:

ClinVar aggregate classification (germline): Uncertain significance (1 of 4 stars; one submission).

Submission:

Dasa
Classification: Uncertain significance. Last evaluated: 2026-02-25. Review status: criteria provided, single submitter. Criteria: DASA Assertion Criteria. Collection method: clinical testing. Allele origin: germline.
Comment: NM_012340.5(NFATC2):c.1297dup (p.Val433Glyfs*32) is a frameshift variant in NFATC2 predicted to alter the reading frame and introduce a premature termination codon. This variant is rare in population databases. The currently available literature and clinical evidence are not sufficient to establish a definitive association between this variant and the reported condition. Therefore, this variant is classified as a variant of uncertain significance.

NM_012340.5(NFATC2):c.1297dup (p.Val433fs)

Gene: NFATC2 (nuclear factor of activated T cells 2; minus strand). Cytogenetic location: 20q13.2.
Variant type: Duplication.
Coding change: c.1297dup on transcript NM_012340.5 (MANE Select); coding-DNA position 1297, one base duplicated (G; older notation c.1297dupG).
Protein change: p.Val433fs; shifts the reading frame from valine 433.
Molecular consequence: frameshift variant.
Genome position (GRCh38, 1-based): chr20:51,516,819, C duplicated on the plus strand (G on the coding strand, the reverse complement: NFATC2 is on the minus strand). VCF-style (leftmost placement, unchanged base first): chr20-51516818-A-AC. GRCh37 (hg19) VCF-style: chr20-50133357-A-AC.
Other names: c.640dup, p.Val214fs (NM_001258294.2, NM_001258295.2, NM_001258296.2 and 1 more transcripts); c.1297dup, p.Val433fs (NM_173091.4); c.1237dup, p.Val413fs (NM_001136021.3, NM_001258292.2); short protein forms V214fs, V413fs, V433fs.
Identifiers: ClinVar variation 4883946 (VCV004883946.2).
Genomic context (GRCh38, chr20:51,516,818, plus strand): 5'-AAAAGGAAGAGCATTCAAGTCCATACCTGAACCACAGGGTGGCCTCCAGTTGGAGCTTTG[A>AC]CAGCCCCTCGGCTGCCTTCTGTCTCATAGTGGGCCCGGTGATGTGGCTTGGGCTGCACCT-3'